The following is an entry in ClinVar:

NM_024408.4(NOTCH2):c.1032C>T (p.Phe344=)

Gene: NOTCH2 (notch receptor 2; minus strand). Cytogenetic location: 1p12.
Variant type: single nucleotide variant.
Coding change: c.1032C>T on transcript NM_024408.4 (MANE Select); coding-DNA position 1032, C replaced by T.
Protein change: p.Phe344=; no amino-acid change (phenylalanine 344 retained).
Molecular consequence: synonymous variant.
Genome position (GRCh38, 1-based): chr1:119,969,587, G>A on the plus strand (C>T on the coding strand, the complement: NOTCH2 is on the minus strand). VCF-style: chr1-119969587-G-A. GRCh37 (hg19) VCF-style: chr1-120512210-G-A.
Other names: c.1032C>T (NM_024408.3); c.1032C>T, p.Phe344= (NM_001200001.2).
Identifiers: ClinVar variation 1176201 (VCV001176201.43), dbSNP rs782702694, ClinGen allele CA1040632.

ClinVar aggregate classification (germline): Likely benign. Review status: criteria provided, multiple submitters, no conflicts (2 of 4 stars). 4 submissions from 4 submitters: Likely benign (3). 1 of the submissions does not count toward it. Last evaluated 2025-07-29.

Conditions:
NOTCH2-related disorder. Also called: NOTCH2-related condition.
Alagille syndrome due to a NOTCH2 point mutation. Also called: Alagille syndrome 2. Identifiers: Orphanet 261629, Orphanet 52, MedGen C1857761, MONDO:0012439, OMIM 610205.
Hajdu-Cheney syndrome (HJCYS). Also called: Acroosteolysis dominant type; ACROOSTEOLYSIS WITH OSTEOPOROSIS AND CHANGES IN SKULL AND MANDIBLE; SERPENTINE FIBULA-POLYCYSTIC KIDNEY SYNDROME. Identifiers: Orphanet 955, MedGen C0917715, MONDO:0007057, OMIM 102500.

Allele frequency attached by ClinVar (database versions not stated): gnomAD 0.00001 and 0.00002; TOPMed 0.00001; gnomAD exomes 0.00004; ExAC 0.00005.
gnomAD v4.1: 63 of 1,614,036 alleles (0.0039%); highest among the groups gnomAD compares: South Asian, 0.019%; no homozygotes.

Submissions (4):

Labcorp Genetics (formerly Invitae), Labcorp
Classification: Likely benign for Hajdu-Cheney syndrome. Last evaluated: 2025-07-29. Review status: criteria provided, single submitter. Criteria: Invitae Variant Classification Sherloc (09022015). Collection method: clinical testing. Allele origin: germline.

Fulgent Genetics
Classification: Likely benign for Hajdu-Cheney syndrome; Alagille syndrome due to a NOTCH2 point mutation. Last evaluated: 2022-02-07. Review status: criteria provided, single submitter. Criteria: ACMG Guidelines, 2015. Collection method: clinical testing. Allele origin: unknown.

CeGaT Center for Human Genetics Tuebingen
Classification: Likely benign. Last evaluated: 2021-04-01. Review status: criteria provided, single submitter. Criteria: CeGaT Center For Human Genetics Tuebingen Variant Classification Criteria Version 2. Collection method: clinical testing. Allele origin: germline. Affected: yes. Observed: 1 variant allele.

PreventionGenetics, part of Exact Sciences
Classification: Likely benign for NOTCH2-related condition. Last evaluated: 2022-01-11. Review status: no assertion criteria provided. Collection method: clinical testing. Allele origin: germline. Not counted in ClinVar's aggregate classification.
Comment: This variant is classified as likely benign based on ACMG/AMP sequence variant interpretation guidelines (Richards et al. 2015 PMID: 25741868, with internal and published modifications).